The following is an entry in ClinVar:

ClinVar aggregate classification (germline): Benign/Likely benign. Review status: criteria provided, multiple submitters, no conflicts (2 of 4 stars). 4 submissions from 4 submitters: Benign (1); Likely benign (3). Last evaluated 2026-02-01.

Conditions:
Inborn genetic diseases. Identifiers: MedGen C0950123, MeSH D030342.
Methylmalonic acidemia with homocystinuria, type cblJ (MAHCJ). Also called: METHYLMALONIC ACIDURIA AND HOMOCYSTINURIA, cblJ TYPE. Identifiers: Orphanet 369955, MedGen C3553915, MONDO:0013925, OMIM 614857.

Allele frequency attached by ClinVar (database versions not stated): TOPMed 0.00325; 1000 Genomes Project 0.00419; ESP Exome Variant Server 0.00446; 1000 Genomes Project 30x 0.00531.

Submissions (4):

Labcorp Genetics (formerly Invitae), Labcorp
Classification: Benign for Methylmalonic acidemia with homocystinuria, type cblJ. Last evaluated: 2026-02-01. Review status: criteria provided, single submitter. Criteria: Invitae Variant Classification Sherloc (09022015). Collection method: clinical testing. Allele origin: germline.

Ambry Genetics
Classification: Likely benign for Inborn genetic diseases. Last evaluated: 2025-08-14. Review status: criteria provided, single submitter. Criteria: Ambry Variant Classification Scheme 2023. Collection method: clinical testing. Allele origin: germline.

Blueprint Genetics
Classification: Likely benign. Last evaluated: 2024-07-18. Review status: criteria provided, single submitter. Criteria: ACMG Guidelines, 2015. Collection method: clinical testing. Allele origin: germline.

GeneDx
Classification: Likely benign. Last evaluated: 2018-01-08. Review status: criteria provided, single submitter. Criteria: GeneDx Variant Classification (06012015). Collection method: clinical testing. Allele origin: germline. Affected: yes.
Comment: This variant is considered likely benign or benign based on one or more of the following criteria: it is a conservative change, it occurs at a poorly conserved position in the protein, it is predicted to be benign by multiple in silico algorithms, and/or has population frequency not consistent with disease.

NM_005050.4(ABCD4):c.1043G>A (p.Arg348Gln)

Gene: ABCD4 (ATP binding cassette subfamily D member 4; minus strand). Cytogenetic location: 14q24.3.
Variant type: single nucleotide variant.
Coding change: c.1043G>A on transcript NM_005050.4 (MANE Select); coding-DNA position 1043, G replaced by A.
Protein change: p.Arg348Gln; replaces arginine 348 with glutamine.
Molecular consequence: missense variant. On other transcripts: non-coding transcript variant (10).
Genome position (GRCh38, 1-based): chr14:74,292,362, C>T on the plus strand (G>A on the coding strand, the complement: ABCD4 is on the minus strand). VCF-style: chr14-74292362-C-T. GRCh37 (hg19) VCF-style: chr14-74759065-C-T.
Other names: c.917G>A, p.Arg306Gln (NM_001353591.2, NM_001353592.2); c.782G>A, p.Arg261Gln (NM_001353593.2); c.731G>A, p.Arg244Gln (NM_001353594.2); c.629G>A, p.Arg210Gln (NM_001353595.2, NM_001353596.2); c.578G>A, p.Arg193Gln (NM_001353597.2); c.566G>A, p.Arg189Gln (NM_001353598.2, NM_001353599.2, NM_001353600.2 and 2 more transcripts); c.254G>A, p.Arg85Gln (NM_001353602.2, NM_001353603.2, NM_001353604.2 and 6 more transcripts); c.1043G>A, p.Arg348Gln (NM_020325.3); short protein forms R348Q, R193Q, R85Q, R261Q, R306Q, R210Q, R189Q, R244Q.
Identifiers: ClinVar variation 516779 (VCV000516779.14), dbSNP rs147100216, ClinGen allele CA7266950.
Genomic context (GRCh38, chr14:74,292,362, plus strand): 5'-TCGCTCTCGCCCAGGATCTCGCAGTCCTGTGACTTCAGGGACATGTCCAGAAGCGTCTCC[C>T]GAAGCTGCCCAATTCTGAACAAGAAAAGAAAATCTGAGGCAGGGTCTGGGAGCCAGGTGA-3'
Protein context (NP_005041.1, residues 338-358): AGYTHRIGQL[Arg348Gln]ETLLDMSLKS